The following is an entry in ClinVar:

ClinVar aggregate classification (germline): Uncertain significance (1 of 4 stars; one submission).

Allele frequency attached by ClinVar (database versions not stated): gnomAD exomes 0.00001.
gnomAD v4.1: 12 of 1,614,178 alleles (0.00074%); highest among the groups gnomAD compares: Non-Finnish European, 0.001%; no homozygotes.

Submission:

Labcorp Genetics (formerly Invitae), Labcorp
Classification: Uncertain significance. Last evaluated: 2022-08-09. Review status: criteria provided, single submitter. Criteria: Invitae Variant Classification Sherloc (09022015). Collection method: clinical testing. Allele origin: germline.
Comment: Algorithms developed to predict the effect of missense changes on protein structure and function output the following: SIFT: "Tolerated"; PolyPhen-2: "Benign"; Align-GVGD: "Class C0". The glycine amino acid residue is found in multiple mammalian species, which suggests that this missense change does not adversely affect protein function. In summary, the available evidence is currently insufficient to determine the role of this variant in disease. Therefore, it has been classified as a Variant of Uncertain Significance. This sequence change replaces aspartic acid, which is acidic and polar, with glycine, which is neutral and non-polar, at codon 692 of the AHR protein (p.Asp692Gly). This variant is not present in population databases (gnomAD no frequency). This variant has not been reported in the literature in individuals affected with AHR-related conditions. ClinVar contains an entry for this variant (Variation ID: 1470333).

NM_001621.5(AHR):c.2075A>G (p.Asp692Gly)

Gene: AHR (aryl hydrocarbon receptor; plus strand). Cytogenetic location: 7p21.1.
Variant type: single nucleotide variant.
Coding change: c.2075A>G on transcript NM_001621.5 (MANE Select); coding-DNA position 2075, A replaced by G.
Protein change: p.Asp692Gly; replaces aspartic acid 692 with glycine.
Molecular consequence: missense variant.
Genome position (GRCh38, 1-based): chr7:17,339,900, A>G. VCF-style: chr7-17339900-A-G. GRCh37 (hg19) VCF-style: chr7-17379524-A-G.
Other names: short protein forms D692G.
Identifiers: ClinVar variation 1470333 (VCV001470333.6), dbSNP rs2115370240, ClinGen allele CA366895894.
Genomic context (GRCh38, chr7:17,339,900, plus strand): 5'-ATAATGTCTTTACAGACTTACATGGGATCAGTCAAGAGTTCCCCTACAAATCTGAAATGG[A>G]TTCTATGCCTTATACACAGAACTTTATTTCCTGTAATCAGCCTGTATTACCACAACATTC-3'
Protein context (NP_001612.1, residues 682-702): SQEFPYKSEM[Asp692Gly]SMPYTQNFIS